The following is an entry in ClinVar:

ClinVar aggregate classification (germline): Uncertain significance (1 of 4 stars; one submission).

Submission:

CeGaT Center for Human Genetics Tuebingen
Classification: Uncertain significance. Last evaluated: 2023-06-01. Review status: criteria provided, single submitter. Criteria: CeGaT Center For Human Genetics Tuebingen Variant Classification Criteria Version 2. Collection method: clinical testing. Allele origin: germline. Affected: yes. Observed: 1 variant allele.
Comment: KMT2B: PM2

NM_014727.3(KMT2B):c.317G>T (p.Gly106Val)

Gene: KMT2B (lysine methyltransferase 2B; plus strand). Cytogenetic location: 19q13.12.
Variant type: single nucleotide variant.
Coding change: c.317G>T on transcript NM_014727.3 (MANE Select); coding-DNA position 317, G replaced by T.
Protein change: p.Gly106Val; replaces glycine 106 with valine.
Molecular consequence: missense variant.
Genome position (GRCh38, 1-based): chr19:35,718,335, G>T. VCF-style: chr19-35718335-G-T. GRCh37 (hg19) VCF-style: chr19-36209237-G-T.
Other names: short protein forms G106V.
Identifiers: ClinVar variation 2649726 (VCV002649726.24), dbSNP rs2513307324, ClinGen allele CA405375624.
Genomic context (GRCh38, chr19:35,718,335, plus strand): 5'-GCCCGCGGGTCCAGCGGGGCCGGGGACGGGGTCGGGGCCGGGGCTGGGGCCCGAGTCGAG[G>T]CTGCGTGCCGGAGGAGGAGAGCAGTGACGGGGAATCCGACGAGGAGGTGAGGCGGTTGGA-3'
Protein context (NP_055542.1, residues 96-116): GRGRGWGPSR[Gly106Val]CVPEEESSDG